The following is an entry in ClinVar:

ClinVar aggregate classification (germline): Uncertain significance. Review status: criteria provided, multiple submitters, no conflicts (2 of 4 stars). 2 submissions from 2 submitters: Uncertain significance (2). Last evaluated 2023-04-03.

Conditions:
Migraine, familial hemiplegic, 1. Also called: MIGRAINE, FAMILIAL HEMIPLEGIC 1, WITH PROGRESSIVE CEREBELLAR ATAXIA. Identifiers: Orphanet 569, MedGen C1832884, MONDO:0020756, OMIM 141500, MONDO:0007714.
Developmental and epileptic encephalopathy, 42 (DEE42A). Also called: DEVELOPMENTAL AND EPILEPTIC ENCEPHALOPATHY 42A; EPILEPTIC ENCEPHALOPATHY, EARLY INFANTILE, 42A; Epileptic encephalopathy, early infantile, 42. Identifiers: MedGen C4310716, MONDO:0014917, OMIM 617106.
Episodic ataxia type 2 (EA2). Also called: CEREBELLAR ATAXIA, PAROXYSMAL, ACETAZOLAMIDE-RESPONSIVE; CEREBELLOPATHY, HEREDITARY PAROXYSMAL; EPISODIC ATAXIA, NYSTAGMUS-ASSOCIATED; ACETAZOLAMIDE-RESPONSIVE HEREDITARY PAROXYSMAL CEREBELLAR ATAXIA; ATAXIA, EPISODIC, WITH NYSTAGMUS; ATAXIA, FAMILIAL PAROXYSMAL. Identifiers: Orphanet 97, MedGen C1720416, MONDO:0007163, OMIM 108500.

Submissions (2):

Labcorp Genetics (formerly Invitae), Labcorp
Classification: Uncertain significance for Developmental and epileptic encephalopathy, 42; Episodic ataxia type 2. Last evaluated: 2023-04-03. Review status: criteria provided, single submitter. Criteria: Invitae Variant Classification Sherloc (09022015). Collection method: clinical testing. Allele origin: germline.
Comment: ClinVar contains an entry for this variant (Variation ID: 931951). In summary, the available evidence is currently insufficient to determine the role of this variant in disease. Therefore, it has been classified as a Variant of Uncertain Significance. Advanced modeling of protein sequence and biophysical properties (such as structural, functional, and spatial information, amino acid conservation, physicochemical variation, residue mobility, and thermodynamic stability) performed at Invitae indicates that this missense variant is expected to disrupt CACNA1A protein function. This variant has not been reported in the literature in individuals affected with CACNA1A-related conditions. This variant is not present in population databases (gnomAD no frequency). This sequence change replaces leucine, which is neutral and non-polar, with proline, which is neutral and non-polar, at codon 389 of the CACNA1A protein (p.Leu389Pro).

Centre for Mendelian Genomics, University Medical Centre Ljubljana
Classification: Uncertain significance for Migraine, familial hemiplegic, 1. Last evaluated: 2019-01-15. Review status: criteria provided, single submitter. Criteria: ACMG Guidelines, 2015. Collection method: clinical testing. Allele origin: unknown. Affected: yes.
Comment: This variant was classified as: Uncertain significance. The available evidence favors the pathogenic nature of this variant, however the currently available data is insufficient to conclusively support its pathogenic nature. Thus this variant is classified as Uncertain significance - favor pathogenic. The following ACMG criteria were applied in classifying this variant: PM2,PM5,PP3.

NM_001127222.2(CACNA1A):c.1166T>C (p.Leu389Pro)

Gene: CACNA1A (calcium voltage-gated channel subunit alpha1 A; minus strand). Cytogenetic location: 19p13.13.
Variant type: single nucleotide variant.
Coding change: c.1166T>C on transcript NM_001127222.2 (MANE Select); coding-DNA position 1166, T replaced by C.
Protein change: p.Leu389Pro; replaces leucine 389 with proline.
Molecular consequence: missense variant.
Genome position (GRCh38, 1-based): chr19:13,334,410, A>G on the plus strand (T>C on the coding strand, the complement: CACNA1A is on the minus strand). VCF-style: chr19-13334410-A-G. GRCh37 (hg19) VCF-style: chr19-13445224-A-G.
Other names: c.1166T>C, p.Leu389Pro (NM_000068.4, NM_001127221.2, NM_001174080.2 and 1 more transcripts); short protein forms L389P.
Identifiers: ClinVar variation 931951 (VCV000931951.6), dbSNP rs2058520816, ClinGen allele CA404346463.